The following is an entry in ClinVar:

ClinVar aggregate classification (germline): Uncertain significance (1 of 4 stars; one submission).

Conditions:
Long QT syndrome (LQTS). Identifiers: MedGen C0023976, MeSH D008133, MONDO:0002442. Disease mechanism: loss of function. Inheritance: Various modes of inheritance.

Allele frequency attached by ClinVar (database versions not stated): gnomAD exomes below 0.00001; ExAC 0.00001; TOPMed 0.00001; gnomAD 0.00003; ESP Exome Variant Server 0.00008.
gnomAD v4.1: 4 of 1,601,502 alleles (0.00025%); highest among the groups gnomAD compares: African/African-American, 0.0054%; no homozygotes.

Submission:

Labcorp Genetics (formerly Invitae), Labcorp
Classification: Uncertain significance for Long QT syndrome. Last evaluated: 2022-08-09. Review status: criteria provided, single submitter. Criteria: Invitae Variant Classification Sherloc (09022015). Collection method: clinical testing. Allele origin: germline.
Comment: This sequence change replaces serine, which is neutral and polar, with phenylalanine, which is neutral and non-polar, at codon 1092 of the KCNH2 protein (p.Ser1092Phe). This variant is present in population databases (rs147510453, gnomAD 0.01%). This variant has not been reported in the literature in individuals affected with KCNH2-related conditions. ClinVar contains an entry for this variant (Variation ID: 1495264). Algorithms developed to predict the effect of missense changes on protein structure and function are either unavailable or do not agree on the potential impact of this missense change (SIFT: "Deleterious"; PolyPhen-2: "Benign"; Align-GVGD: "Class C0"). In summary, the available evidence is currently insufficient to determine the role of this variant in disease. Therefore, it has been classified as a Variant of Uncertain Significance.

NM_000238.4(KCNH2):c.3275C>T (p.Ser1092Phe)

Gene: KCNH2 (potassium voltage-gated channel subfamily H member 2; minus strand). Cytogenetic location: 7q36.1.
Variant type: single nucleotide variant.
Coding change: c.3275C>T on transcript NM_000238.4 (MANE Select); coding-DNA position 3275, C replaced by T.
Protein change: p.Ser1092Phe; replaces serine 1092 with phenylalanine.
Molecular consequence: missense variant.
Genome position (GRCh38, 1-based): chr7:150,946,932, G>A on the plus strand (C>T on the coding strand, the complement: KCNH2 is on the minus strand). VCF-style: chr7-150946932-G-A. GRCh37 (hg19) VCF-style: chr7-150644020-G-A.
Other names: c.2255C>T, p.Ser752Phe (NM_172057.3); short protein forms S1092F, S752F.
Identifiers: ClinVar variation 1495264 (VCV001495264.3), dbSNP rs147510453, ClinGen allele CA038177.